The following is an entry in ClinVar:

NM_000747.3(CHRNB1):c.1154G>A (p.Arg385Gln)

Gene: CHRNB1 (cholinergic receptor nicotinic beta 1 subunit; plus strand). Cytogenetic location: 17p13.1.
Variant type: single nucleotide variant.
Coding change: c.1154G>A on transcript NM_000747.3 (MANE Select); coding-DNA position 1154, G replaced by A.
Protein change: p.Arg385Gln; replaces arginine 385 with glutamine.
Molecular consequence: missense variant.
Genome position (GRCh38, 1-based): chr17:7,455,393, G>A. VCF-style: chr17-7455393-G-A. GRCh37 (hg19) VCF-style: chr17-7358712-G-A.
Other names: short protein forms R385Q.
Identifiers: ClinVar variation 1367476 (VCV001367476.6), dbSNP rs1222134398, ClinGen allele CA397801147.
Genomic context (GRCh38, chr17:7,455,393, plus strand): 5'-CCGAGAGAGACCTGATGCCGGAGCCCCCTCACTGTTCTTCTCCAGGAAGTGGCTGGGGTC[G>A]GGGAACAGATGAATATTTCATCCGGAAGCCGCCAAGTGATTTTCTCTTCCCCAAACCCAA-3'
Protein context (NP_000738.2, residues 375-395): HCSSPGSGWG[Arg385Gln]GTDEYFIRKP

ClinVar aggregate classification (germline): Uncertain significance (1 of 4 stars; one submission).

Conditions:
Congenital myasthenic syndrome 2A. Also called: Myasthenic syndrome, congenital, 2a, slow-channel. Identifiers: Orphanet 590, MedGen C4225374, MONDO:0014581, OMIM 616313.

Allele frequency attached by ClinVar (database versions not stated): gnomAD exomes below 0.00001.
gnomAD v4.1: 2 of 1,614,110 alleles (0.00012%); highest among the groups gnomAD compares: Non-Finnish European, 0.00017%; no homozygotes.

Submission:

Labcorp Genetics (formerly Invitae), Labcorp
Classification: Uncertain significance for Congenital myasthenic syndrome 2A. Last evaluated: 2022-08-16. Review status: criteria provided, single submitter. Criteria: Invitae Variant Classification Sherloc (09022015). Collection method: clinical testing. Allele origin: germline.
Comment: This variant has not been reported in the literature in individuals affected with CHRNB1-related conditions. In summary, the available evidence is currently insufficient to determine the role of this variant in disease. Therefore, it has been classified as a Variant of Uncertain Significance. Advanced modeling of protein sequence and biophysical properties (such as structural, functional, and spatial information, amino acid conservation, physicochemical variation, residue mobility, and thermodynamic stability) performed at Invitae indicates that this missense variant is not expected to disrupt CHRNB1 protein function. ClinVar contains an entry for this variant (Variation ID: 1367476). This variant is not present in population databases (gnomAD no frequency). This sequence change replaces arginine, which is basic and polar, with glutamine, which is neutral and polar, at codon 385 of the CHRNB1 protein (p.Arg385Gln).